The following is an entry in ClinVar:

ClinVar aggregate classification (germline): Conflicting classifications of pathogenicity. Review status: criteria provided, conflicting classifications (1 of 4 stars). 4 submissions from 4 submitters: Uncertain significance (2); Likely benign (2). Last evaluated 2025-07-02.

Conditions:
Fanconi anemia complementation group J. Also called: BRIP1-Related Fanconi Anemia. Identifiers: Orphanet 84, MedGen C1836860, MONDO:0012187, OMIM 609054.
Familial cancer of breast. Also called: Hereditary breast cancer; hereditary breast carcinoma; BREAST CANCER, FAMILIAL. Identifiers: Orphanet 227535, MedGen C0346153, MONDO:0016419, OMIM 114480. Disease mechanism: loss of function.
Hereditary cancer-predisposing syndrome. Also called: Tumor predisposition; Neoplastic Syndromes, Hereditary; Hereditary Cancer Syndrome; Hereditary neoplastic syndrome. Identifiers: Orphanet 140162, MedGen C0027672, MeSH D009386, MONDO:0015356.

Allele frequency attached by ClinVar (database versions not stated): gnomAD exomes below 0.00001.
gnomAD v4.1: 1 of 1,612,664 alleles (0.000062%); highest among the groups gnomAD compares: Admixed American, 0.0017%; no homozygotes.

Submissions (4):

Quest Diagnostics Nichols Institute San Juan Capistrano
Classification: Uncertain significance. Last evaluated: 2025-07-02. Review status: criteria provided, single submitter. Criteria: Quest Diagnostics criteria. Collection method: clinical testing. Allele origin: unknown.
Comment: The BRIP1 c.396C>G (p.Thr132=) synonymous variant has not been reported in individuals with BRIP1-related conditions in the published literature. It also has not been reported in large, multi-ethnic general populations (Genome Aggregation Database). Analysis of this variant using software algorithms for the prediction of the effect of nucleotide changes on splicing yielded predictions that this variant does not affect BRIP1 mRNA splicing. Based on the available information, we are unable to determine the clinical significance of this variant.

Color Diagnostics, LLC DBA Color Health
Classification: Likely benign for Hereditary cancer-predisposing syndrome. Last evaluated: 2024-09-23. Review status: criteria provided, single submitter. Criteria: ACMG Guidelines, 2015. Collection method: clinical testing. Allele origin: germline.

Labcorp Genetics (formerly Invitae), Labcorp
Classification: Uncertain significance for Familial cancer of breast; Fanconi anemia complementation group J. Last evaluated: 2023-06-28. Review status: criteria provided, single submitter. Criteria: Invitae Variant Classification Sherloc (09022015). Collection method: clinical testing. Allele origin: germline.
Comment: This variant has not been reported in the literature in individuals affected with BRIP1-related conditions. This variant is not present in population databases (gnomAD no frequency). This sequence change affects codon 132 of the BRIP1 mRNA. It is a 'silent' change, meaning that it does not change the encoded amino acid sequence of the BRIP1 protein. In summary, the available evidence is currently insufficient to determine the role of this variant in disease. Therefore, it has been classified as a Variant of Uncertain Significance. Algorithms developed to predict the effect of sequence changes on RNA splicing suggest that this variant may create or strengthen a splice site.

Ambry Genetics
Classification: Likely benign for Hereditary cancer-predisposing syndrome. Last evaluated: 2023-06-24. Review status: criteria provided, single submitter. Criteria: Ambry Variant Classification Scheme 2023. Collection method: clinical testing. Allele origin: germline.

NM_032043.3(BRIP1):c.396C>G (p.Thr132=)

Gene: BRIP1 (BRCA1 interacting DNA helicase 1; minus strand). Cytogenetic location: 17q23.2.
Variant type: single nucleotide variant.
Coding change: c.396C>G on transcript NM_032043.3 (MANE Select); coding-DNA position 396, C replaced by G.
Protein change: p.Thr132=; no amino-acid change (threonine 132 retained).
Molecular consequence: synonymous variant.
Genome position (GRCh38, 1-based): chr17:61,849,240, G>C on the plus strand (C>G on the coding strand, the complement: BRIP1 is on the minus strand). VCF-style: chr17-61849240-G-C. GRCh37 (hg19) VCF-style: chr17-59926601-G-C.
Identifiers: ClinVar variation 2626372 (VCV002626372.7), dbSNP rs2145766215, ClinGen allele CA501150928.
Genomic context (GRCh38, chr17:61,849,240, plus strand): 5'-ATCATTTTCATCTCTGTATATGGATGCCTGTTTCTTAGCAGATAACTTTGCAGCCAGAGT[G>C]GTTTTTTCAGGGGAGTCTTATATAAGTAATTTAAAAAAAACAGCATAAATAACTTACAGG-3'
Protein context (NP_114432.2, residues 122-142): SSTCQDSPEK[Thr132=]TLAAKLSAKK